The following is an entry in ClinVar:

NM_014875.3(KIF14):c.3620A>G (p.Gln1207Arg)

Gene: KIF14 (kinesin family member 14; minus strand). Cytogenetic location: 1q32.1.
Variant type: single nucleotide variant.
Coding change: c.3620A>G on transcript NM_014875.3 (MANE Select); coding-DNA position 3620, A replaced by G.
Protein change: p.Gln1207Arg; replaces glutamine 1207 with arginine.
Molecular consequence: missense variant.
Genome position (GRCh38, 1-based): chr1:200,569,952, T>C on the plus strand (A>G on the coding strand, the complement: KIF14 is on the minus strand). VCF-style: chr1-200569952-T-C. GRCh37 (hg19) VCF-style: chr1-200539080-T-C.
Other names: c.2147A>G, p.Gln716Arg (NM_001305792.1); short protein forms Q1207R, Q716R.
Identifiers: ClinVar variation 720091 (VCV000720091.35), dbSNP rs145426227, ClinGen allele CA1317205.
Genomic context (GRCh38, chr1:200,569,952, plus strand): 5'-AATGTGAAGAAAAAAATACCTGATGAATGTGAAGAATGCAAATTCTTAATTGGATGGACT[T>C]GTATGTCATGTAAACAACCAGAAATTCTTCTGTTCTTCATCAAACTCCTACTCCTGAAAA-3'
Protein context (NP_055690.1, residues 1197-1217): RRISGCLHDI[Gln1207Arg]VHPIKNLHSS

ClinVar aggregate classification (germline): Likely benign. Review status: criteria provided, multiple submitters, no conflicts (2 of 4 stars). 4 submissions from 4 submitters: Likely benign (4). Last evaluated 2026-01-19.

Conditions:
KIF14-related disorder. Also called: KIF14-related condition.

Allele frequency attached by ClinVar (database versions not stated): 1000 Genomes Project 30x 0.00016; 1000 Genomes Project 0.00020; TOPMed 0.00020; ESP Exome Variant Server 0.00031; gnomAD exomes 0.00062 and 0.00101; gnomAD 0.00065 and 0.00068; ExAC 0.00104.
gnomAD v4.1: 998 of 1,605,032 alleles (0.062%); highest among the groups gnomAD compares: Non-Finnish European, 0.048%; 4 homozygotes.

Submissions (4):

Labcorp Genetics (formerly Invitae), Labcorp
Classification: Likely benign. Last evaluated: 2026-01-19. Review status: criteria provided, single submitter. Criteria: Invitae Variant Classification Sherloc (09022015). Collection method: clinical testing. Allele origin: germline.

PreventionGenetics, part of Exact Sciences
Classification: Likely benign for KIF14-related condition. Last evaluated: 2025-06-19. Review status: criteria provided, single submitter. Criteria: ACMG Guidelines, 2015. Collection method: clinical testing. Allele origin: germline.
Comment: This variant is classified as likely benign based on ACMG/AMP sequence variant interpretation guidelines (Richards et al. 2015 PMID: 25741868, with internal and published modifications).

CeGaT Center for Human Genetics Tuebingen
Classification: Likely benign. Last evaluated: 2022-07-01. Review status: criteria provided, single submitter. Criteria: CeGaT Center For Human Genetics Tuebingen Variant Classification Criteria Version 2. Collection method: clinical testing. Allele origin: germline. Affected: yes. Observed: 1 variant allele.
Comment: KIF14: BP4

Breakthrough Genomics
Classification: Likely benign. Review status: criteria provided, single submitter. Criteria: ACMG Guidelines, 2015. Collection method: not provided. Allele origin: germline. Inheritance: Autosomal recessive inheritance. Affected: yes.